The following is an entry in ClinVar:

ClinVar aggregate classification (germline): Uncertain significance (1 of 4 stars; one submission).

Submission:

Labcorp Genetics (formerly Invitae), Labcorp
Classification: Uncertain significance. Last evaluated: 2023-05-21. Review status: criteria provided, single submitter. Criteria: Invitae Variant Classification Sherloc (09022015). Collection method: clinical testing. Allele origin: germline.
Comment: In summary, the available evidence is currently insufficient to determine the role of this variant in disease. Therefore, it has been classified as a Variant of Uncertain Significance. An algorithm developed to predict the effect of missense changes on protein structure and function (PolyPhen-2) suggests that this variant is likely to be disruptive. This variant has not been reported in the literature in individuals affected with TSR2-related conditions. This variant is not present in population databases (gnomAD no frequency). This sequence change replaces aspartic acid, which is acidic and polar, with histidine, which is basic and polar, at codon 63 of the TSR2 protein (p.Asp63His).

NM_058163.3(TSR2):c.187G>C (p.Asp63His)

Gene: TSR2 (TSR2 ribosome maturation factor; plus strand). Cytogenetic location: Xp11.22.
Variant type: single nucleotide variant.
Coding change: c.187G>C on transcript NM_058163.3 (MANE Select); coding-DNA position 187, G replaced by C.
Protein change: p.Asp63His; replaces aspartic acid 63 with histidine.
Molecular consequence: missense variant. On other transcripts: 5 prime UTR variant (3).
Genome position (GRCh38, 1-based): chrX:54,443,414, G>C. VCF-style: chrX-54443414-G-C. GRCh37 (hg19) VCF-style: chrX-54469847-G-C.
Other names: c.187G>C, p.Asp63His (NM_001346789.2); c.-90G>C (NM_001346790.2); c.-99G>C (NM_001346791.2, NM_001346792.2); short protein forms D63H.
Identifiers: ClinVar variation 2787332 (VCV002787332.3), dbSNP rs2522674453, ClinGen allele CA413356762.